The following is an entry in ClinVar:

ClinVar aggregate classification (germline): Uncertain significance (1 of 4 stars; one submission).

gnomAD v4.1: 7 of 1,613,666 alleles (0.00043%); highest among the groups gnomAD compares: South Asian, 0.0044%; no homozygotes.

Submission:

Women's Health and Genetics/Laboratory Corporation of America, LabCorp
Classification: Uncertain significance. Last evaluated: 2025-09-03. Review status: criteria provided, single submitter. Criteria: LabCorp Variant Classification Summary - May 2015. Collection method: clinical testing. Allele origin: germline.
Comment: Variant summary: ADGRV1 c.7279A>G (p.Met2427Val) results in a conservative amino acid change in the encoded protein sequence. Algorithms developed to predict the effect of missense changes on protein structure and function all suggest that this variant is likely to be tolerated. The variant allele was found at a frequency of 4e-06 in 248716 control chromosomes. The available data on variant occurrences in the general population are insufficient to allow any conclusion about variant significance. To our knowledge, no occurrence of c.7279A>G in individuals affected with ADGRV1-related conditions and no experimental evidence demonstrating its impact on protein function have been reported. No submitters have cited clinical-significance assessments for this variant to ClinVar. Based on the evidence outlined above, the variant was classified as uncertain significance.

NM_032119.4(ADGRV1):c.7279A>G (p.Met2427Val)

Gene: ADGRV1 (adhesion G protein-coupled receptor V1; plus strand). Cytogenetic location: 5q14.3.
Variant type: single nucleotide variant.
Coding change: c.7279A>G on transcript NM_032119.4 (MANE Select); coding-DNA position 7279, A replaced by G.
Protein change: p.Met2427Val; replaces methionine 2427 with valine.
Molecular consequence: missense variant. On other transcripts: non-coding transcript variant (1).
Genome position (GRCh38, 1-based): chr5:90,694,035, A>G. VCF-style: chr5-90694035-A-G. GRCh37 (hg19) VCF-style: chr5-89989852-A-G.
Other names: short protein forms M2427V.
Identifiers: ClinVar variation 4535881 (VCV004535881.1).
Genomic context (GRCh38, chr5:90,694,035, plus strand): 5'-TTACTGTCCTACTATGAATCTCCAATTCAAGGGGTGCCTGACCCACTTTGGAGAACTTGG[A>G]TGAATGTCTCTGCCGTGGGGGAGCCCCTGTATACCTGTGCCACTTTGTGCCTTAAGGAAC-3'
Protein context (NP_115495.3, residues 2417-2437): GVPDPLWRTW[Met2427Val]NVSAVGEPLY